The following is an entry in ClinVar:

ClinVar aggregate classification (germline): Uncertain significance (1 of 4 stars; one submission).

Conditions:
Neurodevelopmental disorder with microcephaly, seizures, and cortical atrophy. Identifiers: MedGen C4540493, MONDO:0060621, OMIM 617802.

gnomAD v4.1: 1 of 1,613,546 alleles (0.000062%); highest among the groups gnomAD compares: Non-Finnish European, 0.000085%; no homozygotes.

Submission:

Baylor Genetics
Classification: Uncertain significance for Neurodevelopmental disorder with microcephaly, seizures, and cortical atrophy. Last evaluated: 2020-03-12. Review status: criteria provided, single submitter. Criteria: ACMG Guidelines, 2015. Collection method: clinical testing. Allele origin: unknown. Affected: yes.
Comment: This variant was determined to be of uncertain significance according to ACMG Guidelines, 2015 [PMID:25741868].

NM_006295.3(VARS1):c.2230C>A (p.Pro744Thr)

Gene: VARS1 (valyl-tRNA synthetase 1; minus strand). Cytogenetic location: 6p21.33.
Variant type: single nucleotide variant.
Coding change: c.2230C>A on transcript NM_006295.3 (MANE Select); coding-DNA position 2230, C replaced by A.
Protein change: p.Pro744Thr; replaces proline 744 with threonine.
Molecular consequence: missense variant.
Genome position (GRCh38, 1-based): chr6:31,782,098, G>T on the plus strand (C>A on the coding strand, the complement: VARS1 is on the minus strand). VCF-style: chr6-31782098-G-T. GRCh37 (hg19) VCF-style: chr6-31749875-G-T.
Other names: short protein forms P744T.
Identifiers: ClinVar variation 1029026 (VCV001029026.1), dbSNP rs1394960891, ClinGen allele CA363453305.
Genomic context (GRCh38, chr6:31,782,098, plus strand): 5'-CACCACTCCAGCAGGGTGTCCCAGCAGCTAGCTCTGGCCCTCTGCTCACCTCCCCAGGGG[G>T]CACCGCTGGGTCACTGACAGTGACAAAGTAGGCTGGGATGCGATGGCCCCACCACAGCTG-3'
Protein context (NP_006286.1, residues 734-754): YFVTVSDPAV[Pro744Thr]PGEDPDGRYW